The following is an entry in ClinVar:

ClinVar aggregate classification (germline): Uncertain significance. Review status: criteria provided, multiple submitters, no conflicts (2 of 4 stars). 3 submissions from 3 submitters: Uncertain significance (3). Last evaluated 2026-05-31.

Conditions:
MYO5B-related disorder. Also called: MYO5B-related condition.
Congenital microvillous atrophy (DIAR2). Also called: Diarrhea 2 with microvillus atrophy, with or without cholestasis; Microvillus inclusion disease; CONGENITAL FAMILIAL PROTRACTED DIARRHEA WITH ENTEROCYTE BRUSH-BORDER ABNORMALITIES; DAVIDSON DISEASE; MICROVILLUS ATROPHY, CONGENITAL. Identifiers: Orphanet 2290, MedGen C0341306, MONDO:0009635, OMIM 251850.

Allele frequency attached by ClinVar (database versions not stated): ExAC 0.00001; gnomAD 0.00001; TOPMed 0.00001; gnomAD exomes 0.00002 and 0.00003.
gnomAD v4.1: 25 of 1,612,498 alleles (0.0016%); highest among the groups gnomAD compares: Middle Eastern, 0.017%; no homozygotes.

Submissions (3):

PreventionGenetics, part of Exact Sciences
Classification: Uncertain significance for MYO5B-related condition. Last evaluated: 2026-05-31. Review status: criteria provided, single submitter. Criteria: ACMG Guidelines, 2015. Collection method: clinical testing. Allele origin: germline.
Comment: The MYO5B c.4033G>A variant is predicted to result in the amino acid substitution p.Ala1345Thr. To our knowledge, this variant has not been reported in the literature. This variant is reported in 0.0070% of alleles in individuals of European (Non-Finnish) descent in gnomAD. At this time, the clinical significance of this variant is uncertain due to the absence of conclusive functional and genetic evidence.

Labcorp Genetics (formerly Invitae), Labcorp
Classification: Uncertain significance. Last evaluated: 2022-07-29. Review status: criteria provided, single submitter. Criteria: Invitae Variant Classification Sherloc (09022015). Collection method: clinical testing. Allele origin: germline.
Comment: This sequence change replaces alanine, which is neutral and non-polar, with threonine, which is neutral and polar, at codon 1345 of the MYO5B protein (p.Ala1345Thr). This variant is present in population databases (rs755338257, gnomAD 0.006%). This variant has not been reported in the literature in individuals affected with MYO5B-related conditions. ClinVar contains an entry for this variant (Variation ID: 892427). Algorithms developed to predict the effect of missense changes on protein structure and function are either unavailable or do not agree on the potential impact of this missense change (SIFT: "Deleterious"; PolyPhen-2: "Benign"; Align-GVGD: "Class C0"). In summary, the available evidence is currently insufficient to determine the role of this variant in disease. Therefore, it has been classified as a Variant of Uncertain Significance.

Illumina Laboratory Services, Illumina
Classification: Uncertain significance for Congenital microvillous atrophy. Last evaluated: 2018-01-13. Review status: criteria provided, single submitter. Criteria: ICSL Variant Classification Criteria 13 December 2019. Collection method: clinical testing. Allele origin: germline.

NM_001080467.3(MYO5B):c.4033G>A (p.Ala1345Thr)

Gene: MYO5B (myosin VB; minus strand). Cytogenetic location: 18q21.1.
Variant type: single nucleotide variant.
Coding change: c.4033G>A on transcript NM_001080467.3 (MANE Select); coding-DNA position 4033, G replaced by A.
Protein change: p.Ala1345Thr; replaces alanine 1345 with threonine.
Molecular consequence: missense variant.
Genome position (GRCh38, 1-based): chr18:49,853,637, C>T on the plus strand (G>A on the coding strand, the complement: MYO5B is on the minus strand). VCF-style: chr18-49853637-C-T. GRCh37 (hg19) VCF-style: chr18-47380007-C-T.
Other names: short protein forms A1345T.
Identifiers: ClinVar variation 892427 (VCV000892427.9), dbSNP rs755338257, ClinGen allele CA8960466.